The following is an entry in ClinVar:

ClinVar aggregate classification (germline): Pathogenic (1 of 4 stars; one submission).

Conditions:
Multiple congenital exostosis (EXT). Also called: Multiple exostoses; MULTIPLE CARTILAGINOUS EXOSTOSES; Hereditary multiple exostoses; Hereditary multiple exostosis; Hereditary multiple osteochondromas; Multiple osteochondromas. Identifiers: Orphanet 321, MedGen C0015306, MONDO:0005508, HP:0002762.

Submission:

Labcorp Genetics (formerly Invitae), Labcorp
Classification: Pathogenic for Multiple congenital exostosis. Last evaluated: 2026-01-19. Review status: criteria provided, single submitter. Criteria: Invitae Variant Classification Sherloc (09022015). Collection method: clinical testing. Allele origin: germline.
Comment: This sequence change creates a premature translational stop signal (p.Ser610*) in the EXT1 gene. It is expected to result in an absent or disrupted protein product. Loss-of-function variants in EXT1 are known to be pathogenic (PMID: 10679937, 11391482, 19810120). This variant is not present in population databases (gnomAD no frequency). This premature translational stop signal has been observed in individual(s) with hereditary multiple osteochondromas (internal data). ClinVar contains an entry for this variant (Variation ID: 1358220). For these reasons, this variant has been classified as Pathogenic.

Literature cited by the submitters: PubMed 10679937; PubMed 11391482; PubMed 19810120.

NM_000127.3(EXT1):c.1829C>A (p.Ser610Ter)

Gene: EXT1 (exostosin glycosyltransferase 1; minus strand). Cytogenetic location: 8q24.11.
Variant type: single nucleotide variant.
Coding change: c.1829C>A on transcript NM_000127.3 (MANE Select); coding-DNA position 1829, C replaced by A.
Protein change: p.Ser610Ter; replaces serine 610 with a stop codon.
Molecular consequence: nonsense.
Genome position (GRCh38, 1-based): chr8:117,807,271, G>T on the plus strand (C>A on the coding strand, the complement: EXT1 is on the minus strand). VCF-style: chr8-117807271-G-T. GRCh37 (hg19) VCF-style: chr8-118819510-G-T.
Other names: short protein forms S610*.
Identifiers: ClinVar variation 1358220 (VCV001358220.6), dbSNP rs2129701251, ClinGen allele CA371878122.